The following is an entry in ClinVar:

ClinVar aggregate classification (germline): Conflicting classifications of pathogenicity. Review status: criteria provided, conflicting classifications (1 of 4 stars). 7 submissions from 6 submitters: Uncertain significance (4); Benign (1); Likely benign (2). Last evaluated 2026-01-28.

Conditions:
NF1-related disorder. Also called: NF1-related condition. Identifiers: MedGen CN379171.
Cardiovascular phenotype. Identifiers: MedGen CN230736.
Hereditary cancer-predisposing syndrome. Also called: Neoplastic Syndromes, Hereditary; Tumor predisposition; Hereditary Cancer Syndrome; Hereditary neoplastic syndrome. Identifiers: Orphanet 140162, MedGen C0027672, MeSH D009386, MONDO:0015356.
Neurofibromatosis, type 1 (NF1). Also called: NEUROFIBROMATOSIS, TYPE I, SOMATIC; Peripheral type neurofibromatosis; Neurofibromatosis, type I; VON RECKLINGHAUSEN DISEASE. Identifiers: Orphanet 636, MedGen C0027831, MONDO:0018975, OMIM 162200. Disease mechanism: loss of function.

Allele frequency attached by ClinVar (database versions not stated): gnomAD exomes below 0.00001; gnomAD 0.00002; TOPMed 0.00002.
gnomAD v4.1: 22 of 1,613,608 alleles (0.0014%); highest among the groups gnomAD compares: South Asian, 0.0033%; no homozygotes.

Submissions (7):

PreventionGenetics, part of Exact Sciences
Classification: Uncertain significance for NF1-related condition. Last evaluated: 2026-01-28. Review status: criteria provided, single submitter. Criteria: ACMG Guidelines, 2015. Collection method: clinical testing. Allele origin: germline.
Comment: The NF1 c.7838C>T variant is predicted to result in the amino acid substitution p.Pro2613Leu. This variant, along with other variants impacting the same amino acid residue (p.Pro2592Thr and p.Pro2592Pro) have been reported in controls from a breast cancer case-control study (Supplementary Data 1 and 2, Momozawa et al. 2018. PubMed ID: 30287823). This variant is reported in 0.0033% of alleles in individuals of South Asian descent in gnomAD and has conflicting interpretations regarding its pathogenicity in ClinVar, ranging from benign to uncertain (Variation ID: 229734). Although we suspect that this variant may be benign, at this time, the clinical significance of this variant is uncertain due to the absence of conclusive functional and genetic evidence.

Labcorp Genetics (formerly Invitae), Labcorp
Classification: Benign for Neurofibromatosis, type 1. Last evaluated: 2025-11-05. Review status: criteria provided, single submitter. Criteria: Invitae Variant Classification Sherloc (09022015). Collection method: clinical testing. Allele origin: germline.

Ambry Genetics
Classification: Likely benign for Cardiovascular phenotype; Hereditary cancer-predisposing syndrome. Last evaluated: 2025-08-28. Review status: criteria provided, single submitter. Criteria: Ambry Variant Classification Scheme 2023. Collection method: clinical testing. Allele origin: germline.

Clinical Genomics Laboratory, Washington University in St. Louis
Classification: Uncertain significance for Neurofibromatosis, type 1. Last evaluated: 2024-11-19. Review status: criteria provided, single submitter. Criteria: ACMG Guidelines, 2015. Collection method: clinical testing. Allele origin: germline.
Comment: An NF1 c.7838C>T (p.Pro2613Leu) variant was identified at a near heterozygous allelic fraction of 43.2%, a frequency which may be consistent with germline origin. It has also been reported in the ClinVar database as a germline variant of uncertain significance by three submitters and a germline likely benign variant by one submitter (ClinVar variation ID: Variation ID: 229734). The NF1 c.7838C>T (p.Pro2613Leu) is only observed on 22/1,613,608 alleles in the general population (gnomAD v.4.1.0), indicating it is not a common variant. Computational predictors suggest that the variant does not impact NF1 function. Due to limited information, and based on ACMG/AMP guidelines for variant interpretation (Richards S et al., PMID: 25741868), the clinical significance of this variant is uncertain at this time.

Quest Diagnostics Nichols Institute San Juan Capistrano
Classification: Uncertain significance. Last evaluated: 2024-05-03. Review status: criteria provided, single submitter. Criteria: Quest Diagnostics criteria. Collection method: clinical testing. Allele origin: unknown.

GeneDx
Classification: Likely benign. Last evaluated: 2020-03-30. Review status: criteria provided, single submitter. Criteria: GeneDx Variant Classification Process June 2021. Collection method: clinical testing. Allele origin: germline. Affected: yes.
Comment: In silico analysis supports that this missense variant does not alter protein structure/function; This variant is associated with the following publications: (PMID: 27149842, 30287823)

Ambry Genetics
Classification: Uncertain significance for Hereditary cancer-predisposing syndrome. Last evaluated: 2014-11-25. Review status: criteria provided, single submitter. Criteria: Ambry Autosomal Dominant and X-Linked criteria (10/2015). Collection method: clinical testing. Allele origin: germline. Observed: 1 variant allele.
Comment: The p.P2613L variant (also known as c.7838C>T), located in coding exon 53 of the NF1 gene, results from a C to T substitution at nucleotide position 7838. The proline at codon 2613 is replaced by leucine, an amino acid with similar properties. This variant was not reported in population based cohorts in the following databases: Database of Single Nucleotide Polymorphisms (dbSNP), NHLBI Exome Sequencing Project (ESP), and 1000 Genomes Project. In the ESP, this variant was not observed in 6503 samples (13006 alleles) with coverage at this position. To date, this alteration has been detected with an allele frequency of approximately 0.01% (greater than 11000alleles tested) in our clinical cohort. Thisamino acid position is highly conserved in available vertebrate species. In addition, the in silico prediction for this alteration is inconclusive.Since supporting evidence is limited at this time, the clinical significance of p.P2613L remains unclear.

Literature cited by the submitters: PubMed 30287823 (cited by Ambry Genetics and Quest Diagnostics Nichols Institute San Juan Capistrano); PubMed 33471991 (cited by Ambry Genetics and Quest Diagnostics Nichols Institute San Juan Capistrano).

NM_001042492.3(NF1):c.7838C>T (p.Pro2613Leu)

Gene: NF1 (neurofibromin 1; plus strand). Cytogenetic location: 17q11.2.
Variant type: single nucleotide variant.
Coding change: c.7838C>T on transcript NM_001042492.3 (MANE Select); coding-DNA position 7838, C replaced by T.
Protein change: p.Pro2613Leu; replaces proline 2613 with leucine.
Molecular consequence: missense variant.
Genome position (GRCh38, 1-based): chr17:31,357,059, C>T. VCF-style: chr17-31357059-C-T. GRCh37 (hg19) VCF-style: chr17-29684077-C-T.
Other names: c.7775C>T, p.Pro2592Leu (NM_000267.4); short protein forms P2592L, P2613L.
Identifiers: ClinVar variation 229734 (VCV000229734.17), dbSNP rs750972729, ClinGen allele CA10580423.